The following is an entry in ClinVar:

NM_001098536.2(USP5):c.60G>A (p.Lys20=)

Gene: USP5 (ubiquitin specific peptidase 5; plus strand). Cytogenetic location: 12p13.31.
Variant type: single nucleotide variant.
Coding change: c.60G>A on transcript NM_001098536.2 (MANE Select); coding-DNA position 60, G replaced by A.
Protein change: p.Lys20=; no amino-acid change (lysine 20 retained).
Molecular consequence: synonymous variant. On other transcripts: 5 prime UTR variant (1), non-coding transcript variant (9).
Genome position (GRCh38, 1-based): chr12:6,852,239, G>A. VCF-style: chr12-6852239-G-A. GRCh37 (hg19) VCF-style: chr12-6961403-G-A.
Other names: c.60G>A, p.Lys20= (NM_001382588.1, NM_001382589.1, NM_001382591.1 and 1 more transcripts); c.-125G>A (NM_001382590.1).
Identifiers: ClinVar variation 2642640 (VCV002642640.24), dbSNP rs987131672, ClinGen allele CA232405507.

ClinVar aggregate classification (germline): Likely benign (1 of 4 stars; one submission).

Allele frequency attached by ClinVar (database versions not stated): gnomAD exomes below 0.00001.
gnomAD v4.1: 2 of 1,613,340 alleles (0.00012%); highest among the groups gnomAD compares: Non-Finnish European, 0.00017%; no homozygotes.

Submission:

CeGaT Center for Human Genetics Tuebingen
Classification: Likely benign. Last evaluated: 2022-09-01. Review status: criteria provided, single submitter. Criteria: CeGaT Center For Human Genetics Tuebingen Variant Classification Criteria Version 2. Collection method: clinical testing. Allele origin: germline. Affected: yes. Observed: 1 variant allele.
Comment: USP5: PM2:Supporting, BP4, BP7